The following is an entry in ClinVar:

ClinVar aggregate classification (germline): Pathogenic. Review status: criteria provided, multiple submitters, no conflicts (2 of 4 stars). 2 submissions from 2 submitters: Pathogenic (2). Last evaluated 2024-04-04.

Conditions:
X-linked Alport syndrome (ATS1). Also called: NEPHROPATHY AND DEAFNESS, X-LINKED; COL4A5-Related Nephropathy. Identifiers: Orphanet 63, Orphanet 88917, MedGen C4746986, MONDO:0010520, OMIM 301050.

Submissions (2):

Fulgent Genetics
Classification: Pathogenic for X-linked Alport syndrome. Last evaluated: 2024-04-04. Review status: criteria provided, single submitter. Criteria: ACMG Guidelines, 2015. Collection method: clinical testing. Allele origin: germline.

Labcorp Genetics (formerly Invitae), Labcorp
Classification: Pathogenic. Last evaluated: 2021-02-02. Review status: criteria provided, single submitter. Criteria: Invitae Variant Classification Sherloc (09022015). Collection method: clinical testing. Allele origin: germline.
Comment: For these reasons, this variant has been classified as Pathogenic. This variant disrupts the triple helix domain of COL4A5. Glycine residues within the Gly-Xaa-Yaa repeats of the triple helix domain are required for the structure and stability of fibrillar collagens (PMID: 7695699, 8218237, 19344236). In COL4A5, missense variants at these glycine residues are significantly enriched in individuals with disease (PMID: 23720012, 27627812) compared to the general population (ExAC). Advanced modeling of protein sequence and biophysical properties (such as structural, functional, and spatial information, amino acid conservation, physicochemical variation, residue mobility, and thermodynamic stability) performed at Invitae indicates that this missense variant is expected to disrupt COL4A5 protein function. This variant has been observed in individual(s) with Alport syndrome (PMID: 16941480). ClinVar contains an entry for this variant (Variation ID: 24729). This variant is not present in population databases (ExAC no frequency). This sequence change replaces glycine with arginine at codon 1442 of the COL4A5 protein (p.Gly1442Arg). The glycine residue is highly conserved and there is a moderate physicochemical difference between glycine and arginine.

Literature cited by the submitters: PubMed 7695699 (cited by Labcorp Genetics (formerly Invitae), Labcorp); PubMed 8218237 (cited by Labcorp Genetics (formerly Invitae), Labcorp); PubMed 19344236 (cited by Labcorp Genetics (formerly Invitae), Labcorp); PubMed 23720012 (cited by Labcorp Genetics (formerly Invitae), Labcorp); PubMed 27627812 (cited by Labcorp Genetics (formerly Invitae), Labcorp); PubMed 16941480 (cited by Labcorp Genetics (formerly Invitae), Labcorp).

NM_033380.3(COL4A5):c.4342G>C (p.Gly1448Arg)

Gene: COL4A5 (collagen type IV alpha 5 chain; plus strand). Cytogenetic location: Xq22.3.
Variant type: single nucleotide variant.
Coding change: c.4342G>C on transcript NM_033380.3 (MANE Select); coding-DNA position 4342, G replaced by C.
Protein change: p.Gly1448Arg; replaces glycine 1448 with arginine.
Molecular consequence: missense variant.
Genome position (GRCh38, 1-based): chrX:108,687,508, G>C. VCF-style: chrX-108687508-G-C. GRCh37 (hg19) VCF-style: chrX-107930738-G-C.
Other names: c.4324G>C, p.Gly1442Arg (NM_000495.5); short protein forms G1442R, G1448R.
Identifiers: ClinVar variation 1458965 (VCV001458965.8), dbSNP rs104886276, ClinGen allele CA259027.